The following is an entry in ClinVar:

ClinVar aggregate classification (germline): Uncertain significance (1 of 4 stars; one submission).

Submission:

Ambry Genetics
Classification: Uncertain significance. Last evaluated: 2023-09-18. Review status: criteria provided, single submitter. Criteria: Ambry Variant Classification Scheme 2023. Collection method: clinical testing. Allele origin: germline.
Comment: The p.Q86E variant (also known as c.256C>G), located in coding exon 3 of the ALPK2 gene, results from a C to G substitution at nucleotide position 256. The glutamine at codon 86 is replaced by glutamic acid, an amino acid with highly similar properties. This amino acid position is conserved. In addition, this alteration is predicted to be tolerated by in silico analysis. Since supporting evidence is limited at this time, the clinical significance of this alteration remains unclear.

NM_052947.4(ALPK2):c.256C>G (p.Gln86Glu)

Gene: ALPK2 (alpha kinase 2; minus strand). Cytogenetic location: 18q21.31.
Variant type: single nucleotide variant.
Coding change: c.256C>G on transcript NM_052947.4 (MANE Select); coding-DNA position 256, C replaced by G.
Protein change: p.Gln86Glu; replaces glutamine 86 with glutamic acid.
Molecular consequence: missense variant.
Genome position (GRCh38, 1-based): chr18:58,580,520, G>C on the plus strand (C>G on the coding strand, the complement: ALPK2 is on the minus strand). VCF-style: chr18-58580520-G-C. GRCh37 (hg19) VCF-style: chr18-56247752-G-C.
Other names: short protein forms Q86E.
Identifiers: ClinVar variation 3228632 (VCV003228632.1), dbSNP rs1480981381, ClinGen allele CA402568381.